The following is an entry in ClinVar:

NM_004211.5(SLC6A5):c.2180T>C (p.Ile727Thr)

Gene: SLC6A5 (solute carrier family 6 member 5; plus strand). Cytogenetic location: 11p15.1.
Variant type: single nucleotide variant.
Coding change: c.2180T>C on transcript NM_004211.5 (MANE Select); coding-DNA position 2180, T replaced by C.
Protein change: p.Ile727Thr; replaces isoleucine 727 with threonine.
Molecular consequence: missense variant.
Genome position (GRCh38, 1-based): chr11:20,652,398, T>C. VCF-style: chr11-20652398-T-C. GRCh37 (hg19) VCF-style: chr11-20673944-T-C.
Other names: c.1478T>C, p.Ile493Thr (NM_001318369.2); c.2180T>C (NM_004211.3); short protein forms I727T, I493T.
Identifiers: ClinVar variation 2164697 (VCV002164697.2), dbSNP rs755310853, ClinGen allele CA5921716.

ClinVar aggregate classification (germline): Uncertain significance. Review status: criteria provided, multiple submitters, no conflicts (2 of 4 stars). 2 submissions from 2 submitters: Uncertain significance (2). Last evaluated 2024-09-03.

Conditions:
Inborn genetic diseases. Identifiers: MedGen C0950123, MeSH D030342.
Hyperekplexia 3 (HKPX3). Also called: HYPEREKPLEXIA 3, AUTOSOMAL RECESSIVE; HYPEREKPLEXIA 3, AUTOSOMAL DOMINANT. Identifiers: Orphanet 3197, MedGen C3553288, MONDO:0013827, OMIM 614618.

Allele frequency attached by ClinVar (database versions not stated): ExAC 0.00001; gnomAD exomes 0.00001; TOPMed 0.00003; gnomAD 0.00007.
gnomAD v4.1: 15 of 1,614,036 alleles (0.00093%); highest among the groups gnomAD compares: Admixed American, 0.025%; no homozygotes.

Submissions (2):

Ambry Genetics
Classification: Uncertain significance for Inborn genetic diseases. Last evaluated: 2024-09-03. Review status: criteria provided, single submitter. Criteria: Ambry Variant Classification Scheme 2023. Collection method: clinical testing. Allele origin: germline.

Labcorp Genetics (formerly Invitae), Labcorp
Classification: Uncertain significance for Hyperekplexia 3. Last evaluated: 2022-06-23. Review status: criteria provided, single submitter. Criteria: Invitae Variant Classification Sherloc (09022015). Collection method: clinical testing. Allele origin: germline.
Comment: This sequence change replaces isoleucine, which is neutral and non-polar, with threonine, which is neutral and polar, at codon 727 of the SLC6A5 protein (p.Ile727Thr). This variant is present in population databases (rs755310853, gnomAD 0.01%). This variant has not been reported in the literature in individuals affected with SLC6A5-related conditions. Advanced modeling of protein sequence and biophysical properties (such as structural, functional, and spatial information, amino acid conservation, physicochemical variation, residue mobility, and thermodynamic stability) performed at Invitae indicates that this missense variant is not expected to disrupt SLC6A5 protein function. In summary, the available evidence is currently insufficient to determine the role of this variant in disease. Therefore, it has been classified as a Variant of Uncertain Significance.